The following is an entry in ClinVar:

ClinVar aggregate classification (germline): Likely benign (0 of 4 stars; one submission).

Conditions:
DYRK1B-related disorder. Also called: DYRK1B-related condition.

gnomAD v4.1: 21 of 1,424,054 alleles (0.0015%); highest among the groups gnomAD compares: Middle Eastern, 0.022%; no homozygotes.

Submission:

PreventionGenetics, part of Exact Sciences
Classification: Likely benign for DYRK1B-related condition. Last evaluated: 2019-09-26. Review status: no assertion criteria provided. Collection method: clinical testing. Allele origin: germline.
Comment: This variant is classified as likely benign based on ACMG/AMP sequence variant interpretation guidelines (Richards et al. 2015 PMID: 25741868, with internal and published modifications).

NM_004714.3(DYRK1B):c.1158C>T (p.Pro386=)

Gene: DYRK1B (dual specificity tyrosine phosphorylation regulated kinase 1B; minus strand). Cytogenetic location: 19q13.2.
Variant type: single nucleotide variant.
Coding change: c.1158C>T on transcript NM_004714.3 (MANE Select); coding-DNA position 1158, C replaced by T.
Protein change: p.Pro386=; no amino-acid change (proline 386 retained).
Molecular consequence: synonymous variant. On other transcripts: intron variant (2).
Genome position (GRCh38, 1-based): chr19:39,826,925, G>A on the plus strand (C>T on the coding strand, the complement: DYRK1B is on the minus strand). VCF-style: chr19-39826925-G-A. GRCh37 (hg19) VCF-style: chr19-40317565-G-A.
Other names: c.1096-58C>T (NM_006483.3); c.1131+27C>T (NM_006484.3).
Identifiers: ClinVar variation 3350778 (VCV003350778.1).